The following is an entry in ClinVar:

NM_001005242.3(PKP2):c.1497C>T (p.Tyr499=)

Gene: PKP2 (plakophilin 2; minus strand). Cytogenetic location: 12p11.21.
Variant type: single nucleotide variant.
Coding change: c.1497C>T on transcript NM_001005242.3 (MANE Select); coding-DNA position 1497, C replaced by T.
Protein change: p.Tyr499=; no amino-acid change (tyrosine 499 retained).
Molecular consequence: synonymous variant.
Genome position (GRCh38, 1-based): chr12:32,841,087, G>A on the plus strand (C>T on the coding strand, the complement: PKP2 is on the minus strand). VCF-style: chr12-32841087-G-A. GRCh37 (hg19) VCF-style: chr12-32994021-G-A.
Other names: c.1629C>T, p.Tyr543= (NM_004572.4).
Identifiers: ClinVar variation 533045 (VCV000533045.11), dbSNP rs765139046, ClinGen allele CA029738.

ClinVar aggregate classification (germline): Likely benign. Review status: criteria provided, multiple submitters, no conflicts (2 of 4 stars). 3 submissions from 3 submitters: Likely benign (3). Last evaluated 2024-06-04.

Conditions:
Cardiomyopathy (CMYO). Also called: Cardiomyopathies. Identifiers: Orphanet 167848, MedGen C0878544, MONDO:0004994, HP:0001638. Inheritance: Various modes of inheritance.
Arrhythmogenic right ventricular dysplasia 9 (ARVD9). Also called: Arrhythmogenic Right Ventricular Dysplasia/Cardiomyopathy 9; ARRHYTHMOGENIC RIGHT VENTRICULAR DYSPLASIA, FAMILIAL, 9. Identifiers: MedGen C1836906, MONDO:0012180, OMIM 609040.
Arrhythmogenic right ventricular cardiomyopathy (ARVD). Also called: Arrhythmogenic cardiomyopathy; Arrhythmogenic Right Ventricular Cardiomyopathy (ARVC); Cardiomyopathy, ARVC; Arrhythmogenic right ventricular dysplasia. Identifiers: Orphanet 247, MedGen C0349788, MeSH D019571, MONDO:0016587. Disease mechanism: loss of function. Inheritance: Various modes of inheritance.

Allele frequency attached by ClinVar (database versions not stated): gnomAD exomes below 0.00001; ExAC 0.00001.
gnomAD v4.1: 4 of 1,613,922 alleles (0.00025%); highest among the groups gnomAD compares: Non-Finnish European, 0.00034%; no homozygotes.

Submissions (3):

Labcorp Genetics (formerly Invitae), Labcorp
Classification: Likely benign for Arrhythmogenic right ventricular dysplasia 9. Last evaluated: 2024-06-04. Review status: criteria provided, single submitter. Criteria: Invitae Variant Classification Sherloc (09022015). Collection method: clinical testing. Allele origin: germline.

All of Us Research Program, National Institutes of Health
Classification: Likely benign for Arrhythmogenic right ventricular cardiomyopathy. Last evaluated: 2023-05-04. Review status: criteria provided, single submitter. Criteria: ACMG Guidelines, 2015. Collection method: clinical testing. Allele origin: germline. Inheritance: Autosomal dominant inheritance. Observed: 1 variant allele, 1 heterozygote.
Comment: This study involves interpretation of variants in research participants for the purpose of population health screening. Participant phenotype was not available at the time of variant classification. Additional details can be found in publication PMID: 35346344, PMCID: PMC8962531

Color Diagnostics, LLC DBA Color Health
Classification: Likely benign for Cardiomyopathy. Last evaluated: 2021-06-21. Review status: criteria provided, single submitter. Criteria: ACMG Guidelines, 2015. Collection method: clinical testing. Allele origin: germline.